The following is an entry in ClinVar:

NM_005609.4(PYGM):c.1159del (p.Arg387fs)

Gene: PYGM (glycogen phosphorylase, muscle associated; minus strand). Cytogenetic location: 11q13.1.
Variant type: Deletion.
Coding change: c.1159del on transcript NM_005609.4 (MANE Select); coding-DNA position 1159, one base deleted (C; older notation c.1159delC).
Protein change: p.Arg387fs; shifts the reading frame from arginine 387.
Molecular consequence: frameshift variant.
Genome position (GRCh38, 1-based): chr11:64,753,959, G deleted on the plus strand (C on the coding strand, the reverse complement: PYGM is on the minus strand). VCF-style (leftmost placement, unchanged base first): chr11-64753958-CG-C. GRCh37 (hg19) VCF-style: chr11-64521430-CG-C.
Other names: c.895del, p.Arg299fs (NM_001164716.1); short protein forms R299fs, R387fs.
Identifiers: ClinVar variation 1069823 (VCV001069823.7), dbSNP rs2058376454, ClinGen allele CA938865345.
Genomic context (GRCh38, chr11:64,753,958, plus strand): 5'-ATCTCGTAGATGATCTGGAGGTGCCGCGGCAGCAGCGTCTCCAAGAGGTGCACCGGCCAG[CG>C]CTCCAGGGCCTCGGGCAGCACCGTGTGGTTGGTGTAGGCACAGGTCCTCACTGTCACATC-3'

ClinVar aggregate classification (germline): Pathogenic (1 of 4 stars; one submission).

Conditions:
Glycogen storage disease, type V (GSD5). Also called: MCARDLE DISEASE; MUSCLE GLYCOGEN PHOSPHORYLASE DEFICIENCY; MYOPHOSPHORYLASE DEFICIENCY; PYGM DEFICIENCY; McArdle type glycogen storage disease. Identifiers: Orphanet 368, MedGen C0017924, MONDO:0009293, OMIM 232600.

Allele frequency attached by ClinVar (database versions not stated): gnomAD 0.00001.

Submission:

Labcorp Genetics (formerly Invitae), Labcorp
Classification: Pathogenic for Glycogen storage disease, type V. Last evaluated: 2020-09-20. Review status: criteria provided, single submitter. Criteria: Invitae Variant Classification Sherloc (09022015). Collection method: clinical testing. Allele origin: germline.
Comment: For these reasons, this variant has been classified as Pathogenic. Loss-of-function variants in PYGM are known to be pathogenic (PMID: 8316268, 16786513). This variant has not been reported in the literature in individuals with PYGM-related conditions. This variant is not present in population databases (ExAC no frequency). This sequence change creates a premature translational stop signal (p.Arg387Alafs*37) in the PYGM gene. It is expected to result in an absent or disrupted protein product.

Literature cited by the submitters: PubMed 8316268; PubMed 16786513.